The following is an entry in ClinVar:

ClinVar aggregate classification (germline): Conflicting classifications of pathogenicity. Review status: criteria provided, conflicting classifications (1 of 4 stars). 2 submissions from 2 submitters: Uncertain significance (1); Likely benign (1). Last evaluated 2023-03-23.

Conditions:
Hereditary cancer-predisposing syndrome. Also called: Neoplastic Syndromes, Hereditary; Hereditary neoplastic syndrome; Tumor predisposition; Hereditary Cancer Syndrome. Identifiers: Orphanet 140162, MedGen C0027672, MeSH D009386, MONDO:0015356.

Submissions (2):

University of Washington Department of Laboratory Medicine, University of Washington
Classification: Likely benign for Hereditary cancer-predisposing syndrome. Last evaluated: 2023-03-23. Review status: criteria provided, single submitter. Criteria: Dines et al. (Genet Med. 2020). Collection method: curation. Allele origin: germline.
Comment: Missense variant in a coldspot region where missense variants are very unlikely to be pathogenic (PMID:31911673).

BRCA2 exon 11 coldspot. Reclassification based on statistical prior probability.

CeGaT Center for Human Genetics Tuebingen
Classification: Uncertain significance. Last evaluated: 2022-03-01. Review status: criteria provided, single submitter. Criteria: CeGaT Center For Human Genetics Tuebingen Variant Classification Criteria Version 2. Collection method: clinical testing. Allele origin: germline. Affected: yes. Observed: 1 variant allele.
Comment: BRCA2: PM2, BP2, BP4

NM_000059.4(BRCA2):c.2921A>G (p.Asp974Gly)

Gene: BRCA2 (BRCA2 DNA repair associated; plus strand). Cytogenetic location: 13q13.1.
Variant type: single nucleotide variant.
Coding change: c.2921A>G on transcript NM_000059.4 (MANE Select); coding-DNA position 2921, A replaced by G.
Protein change: p.Asp974Gly; replaces aspartic acid 974 with glycine.
Molecular consequence: missense variant.
Genome position (GRCh38, 1-based): chr13:32,337,276, A>G. VCF-style: chr13-32337276-A-G. GRCh37 (hg19) VCF-style: chr13-32911413-A-G.
Other names: short protein forms D974G.
Identifiers: ClinVar variation 1675521 (VCV001675521.35), dbSNP rs2137491259, ClinGen allele CA387774209.
Genomic context (GRCh38, chr13:32,337,276, plus strand): 5'-AGAACAAAAATAGTGTAAAGCAGCATATAAAAATGACTCTAGGTCAAGATTTAAAATCGG[A>G]CATCTCCTTGAATATAGATAAAATACCAGAAAAAAATAATGATTACATGAACAAATGGGC-3'
Protein context (NP_000050.3, residues 964-984): KMTLGQDLKS[Asp974Gly]ISLNIDKIPE